The following is an entry in ClinVar:

ClinVar aggregate classification (germline): Pathogenic (1 of 4 stars; one submission).

Conditions:
Hereditary cancer-predisposing syndrome. Also called: Tumor predisposition; Hereditary Cancer Syndrome; Hereditary neoplastic syndrome; Neoplastic Syndromes, Hereditary. Identifiers: Orphanet 140162, MedGen C0027672, MeSH D009386, MONDO:0015356.

Submission:

Ambry Genetics
Classification: Pathogenic for Hereditary cancer-predisposing syndrome. Last evaluated: 2024-04-05. Review status: criteria provided, single submitter. Criteria: Ambry Variant Classification Scheme 2023. Collection method: clinical testing. Allele origin: germline.
Comment: The c.756delC pathogenic mutation, located in coding exon 8 of the NF2 gene, results from a deletion of one nucleotide at nucleotide position 756, causing a translational frameshift with a predicted alternate stop codon (p.K253Rfs*43). This variant is considered to be rare based on population cohorts in the Genome Aggregation Database (gnomAD). In addition to the clinical data presented in the literature, this alteration is expected to result in loss of function by premature protein truncation or nonsense-mediated mRNA decay. As such, this alteration is interpreted as a disease-causing mutation.

Literature cited by the submitters: PubMed 20113402; PubMed 37805627; PubMed 37980418.

NM_000268.4(NF2):c.756del (p.Lys253fs)

Gene: NF2 (NF2, moesin-ezrin-radixin like (MERLIN) tumor suppressor; plus strand). Cytogenetic location: 22q12.2.
Variant type: Deletion.
Coding change: c.756del on transcript NM_000268.4 (MANE Select); coding-DNA position 756, one base deleted (C; older notation c.756delC).
Protein change: p.Lys253fs; shifts the reading frame from lysine 253.
Molecular consequence: frameshift variant. On other transcripts: non-coding transcript variant (1), intron variant (4).
Genome position (GRCh38, 1-based): chr22:29,661,285, C deleted; the last of 5 consecutive C bases (chr22:29,661,281-29,661,285); deleting any one gives the same sequence. VCF-style (leftmost placement, unchanged base first): chr22-29661280-AC-A. GRCh37 (hg19) VCF-style: chr22-30057269-AC-A.
Other names: c.642del, p.Lys215fs (NM_001407053.1, NM_001407056.1); c.633del, p.Lys212fs (NM_001407054.1, NM_001407058.1, NM_181829.3); c.630del, p.Lys211fs (NM_001407055.1, NM_181828.3); c.756del, p.Lys253fs (NM_001407060.1, NM_001407066.1, NM_016418.5 and 2 more transcripts); c.507del, p.Lys170fs (NM_001407063.1, NM_001407064.1, NM_181830.3 and 1 more transcripts); c.222del, p.Lys75fs (NM_001407065.1); c.525del, p.Lys176fs (NM_001407067.1); c.675+3021del (NM_001407059.1, NM_001407057.1); and 2 more; short protein forms K211fs, K75fs, K170fs, K212fs, K176fs, K215fs, K253fs.
Identifiers: ClinVar variation 3299416 (VCV003299416.1).